The following is an entry in ClinVar:

ClinVar aggregate classification (germline): Uncertain significance (1 of 4 stars; one submission).

Conditions:
Hypertrophic cardiomyopathy. Also called: HYPERTROPHIC MYOCARDIOPATHY. Identifiers: Orphanet 217569, MedGen C0007194, MeSH D002312, MONDO:0005045, HP:0001639.

Submission:

Labcorp Genetics (formerly Invitae), Labcorp
Classification: Uncertain significance for Hypertrophic cardiomyopathy. Last evaluated: 2025-12-19. Review status: criteria provided, single submitter. Criteria: Invitae Variant Classification Sherloc (09022015). Collection method: clinical testing. Allele origin: germline.
Comment: This sequence change replaces proline, which is neutral and non-polar, with threonine, which is neutral and polar, at codon 1022 of the MYOM1 protein (p.Pro1022Thr). This variant is not present in population databases (gnomAD no frequency). This variant has not been reported in the literature in individuals affected with MYOM1-related conditions. Invitae Evidence Modeling of protein sequence and biophysical properties (such as structural, functional, and spatial information, amino acid conservation, physicochemical variation, residue mobility, and thermodynamic stability) has been performed for this missense variant. However, the output from this modeling did not meet the statistical confidence thresholds required to predict the impact of this variant on MYOM1 protein function. In summary, the available evidence is currently insufficient to determine the role of this variant in disease. Therefore, it has been classified as a Variant of Uncertain Significance.

NM_003803.4(MYOM1):c.3064C>A (p.Pro1022Thr)

Gene: MYOM1 (myomesin 1; minus strand). Cytogenetic location: 18p11.31.
Variant type: single nucleotide variant.
Coding change: c.3064C>A on transcript NM_003803.4 (MANE Select); coding-DNA position 3064, C replaced by A.
Protein change: p.Pro1022Thr; replaces proline 1022 with threonine.
Molecular consequence: missense variant.
Genome position (GRCh38, 1-based): chr18:3,119,923, G>T on the plus strand (C>A on the coding strand, the complement: MYOM1 is on the minus strand). VCF-style: chr18-3119923-G-T. GRCh37 (hg19) VCF-style: chr18-3119921-G-T.
Other names: c.2776C>A, p.Pro926Thr (NM_019856.2); short protein forms P926T, P1022T.
Identifiers: ClinVar variation 4744224 (VCV004744224.1).
Genomic context (GRCh38, chr18:3,119,923, plus strand): 5'-GTTTACCTGGGACGGCGATGGTCCACTCTTCACATTTGAAGCATTCGCTTACTGCGGAGG[G>T]CGCGCCCAGCCCAGCCATGTTCATGGCTGCCACTTGGAACTGATACACCATGTTTTCCTT-3'
Protein context (NP_003794.3, residues 1012-1032): AAMNMAGLGA[Pro1022Thr]SAVSECFKCE